The following is an entry in ClinVar:

NM_018718.3(CEP41):c.786G>A (p.Pro262=)

Gene: CEP41 (centrosomal protein 41; minus strand). Cytogenetic location: 7q32.2.
Variant type: single nucleotide variant.
Coding change: c.786G>A on transcript NM_018718.3 (MANE Select); coding-DNA position 786, G replaced by A.
Protein change: p.Pro262=; no amino-acid change (proline 262 retained).
Molecular consequence: synonymous variant. On other transcripts: non-coding transcript variant (1), intron variant (2).
Genome position (GRCh38, 1-based): chr7:130,400,226, C>T on the plus strand (G>A on the coding strand, the complement: CEP41 is on the minus strand). VCF-style: chr7-130400226-C-T. GRCh37 (hg19) VCF-style: chr7-130040067-C-T.
Other names: c.709+481G>A (NM_001257159.2); c.757+481G>A (NM_001257158.2).
Identifiers: ClinVar variation 261056 (VCV000261056.20), dbSNP rs782460743, ClinGen allele CA4485458.

ClinVar aggregate classification (germline): Likely benign. Review status: criteria provided, multiple submitters, no conflicts (2 of 4 stars). 5 submissions from 5 submitters: Likely benign (5). Last evaluated 2026-02-01.

Conditions:
Joubert syndrome 15 (JBTS15). Identifiers: Orphanet 475, MedGen C3280897, MONDO:0013763, OMIM 614464.

Allele frequency attached by ClinVar (database versions not stated): gnomAD 0.00005; ExAC 0.00006; gnomAD exomes 0.00006; TOPMed 0.00006.
gnomAD v4.1: 89 of 1,613,654 alleles (0.0055%); highest among the groups gnomAD compares: Non-Finnish European, 0.0065%; no homozygotes.

Submissions (5):

CeGaT Center for Human Genetics Tuebingen
Classification: Likely benign. Last evaluated: 2026-02-01. Review status: criteria provided, single submitter. Criteria: CeGaT Center For Human Genetics Tuebingen Variant Classification Criteria Version 2. Collection method: clinical testing. Allele origin: germline. Affected: yes. Observed: 1 variant allele.
Comment: CEP41: BP4, BP7

Labcorp Genetics (formerly Invitae), Labcorp
Classification: Likely benign for Joubert syndrome 15. Last evaluated: 2024-12-19. Review status: criteria provided, single submitter. Criteria: Invitae Variant Classification Sherloc (09022015). Collection method: clinical testing. Allele origin: germline.

Blueprint Genetics
Classification: Likely benign. Last evaluated: 2023-10-23. Review status: criteria provided, single submitter. Criteria: ACMG Guidelines, 2015. Collection method: clinical testing. Allele origin: germline.

GeneDx
Classification: Likely benign. Last evaluated: 2016-11-25. Review status: criteria provided, single submitter. Criteria: GeneDx Variant Classification (06012015). Collection method: clinical testing. Allele origin: germline. Affected: yes.
Comment: This variant is considered likely benign or benign based on one or more of the following criteria: it is a conservative change, it occurs at a poorly conserved position in the protein, it is predicted to be benign by multiple in silico algorithms, and/or has population frequency not consistent with disease.

PreventionGenetics, part of Exact Sciences
Classification: Likely benign. Review status: criteria provided, single submitter. Criteria: ACMG Guidelines, 2015. Collection method: clinical testing. Allele origin: germline.